The following is an entry in ClinVar:

ClinVar aggregate classification (germline): Conflicting classifications of pathogenicity. Review status: criteria provided, conflicting classifications (1 of 4 stars). 3 submissions from 3 submitters: Likely pathogenic (1); Uncertain significance (2). Last evaluated 2026-03-12.

Conditions:
Congenital myasthenic syndrome (CMS). Also called: Congenital Myasthenic Syndromes. Identifiers: Orphanet 590, MedGen C0751882, MeSH D020294, MONDO:0018940.
Congenital myasthenic syndrome 4A. Also called: CONGENITAL MYASTHENIC SYNDROME TYPE Ia1; Myasthenic syndrome, congenital, 4a, slow-channel; MYASTHENIC SYNDROME, CONGENITAL, 4A, SLOW-CHANNEL, AUTOSOMAL RECESSIVE. Identifiers: Orphanet 590, MedGen C4225413, MONDO:0011600, OMIM 605809.
Inborn genetic diseases. Identifiers: MedGen C0950123, MeSH D030342.

Allele frequency attached by ClinVar (database versions not stated): gnomAD 0.00001.
gnomAD v4.1: 5 of 1,613,774 alleles (0.00031%); highest among the groups gnomAD compares: Non-Finnish European, 0.00042%; no homozygotes.

Submissions (3):

Ambry Genetics
Classification: Uncertain significance for Inborn genetic diseases. Last evaluated: 2026-03-12. Review status: criteria provided, single submitter. Criteria: Ambry Variant Classification Scheme 2023. Collection method: clinical testing. Allele origin: germline.
Comment: The c.794C>G (p.P265R) alteration is located in exon 7 (coding exon 7) of the CHRNE gene. This alteration results from a C to G substitution at nucleotide position 794, causing the proline (P) at amino acid position 265 to be replaced by an arginine (R). Based on data from gnomAD, the G allele has an overall frequency of <0.001% (1/250142) total alleles studied. The highest observed frequency was 0.001% (1/112532) of European (non-Finnish) alleles. This amino acid position is highly conserved in available vertebrate species. This alteration is predicted to be deleterious by in silico analysis. Based on insufficient or conflicting evidence, the clinical significance of this alteration remains unclear.

Labcorp Genetics (formerly Invitae), Labcorp
Classification: Likely pathogenic for Congenital myasthenic syndrome 4A. Last evaluated: 2021-12-17. Review status: criteria provided, single submitter. Criteria: Invitae Variant Classification Sherloc (09022015). Collection method: clinical testing. Allele origin: germline.
Comment: This variant is not present in population databases (gnomAD no frequency). In summary, the currently available evidence indicates that the variant is pathogenic, but additional data are needed to prove that conclusively. Therefore, this variant has been classified as Likely Pathogenic. This variant disrupts the p.Pro265 amino acid residue in CHRNE. Other variant(s) that disrupt this residue have been determined to be pathogenic (PMID: 9158150; Invitae). This suggests that this residue is clinically significant, and that variants that disrupt this residue are likely to be disease-causing. Advanced modeling of protein sequence and biophysical properties (such as structural, functional, and spatial information, amino acid conservation, physicochemical variation, residue mobility, and thermodynamic stability) performed at Invitae indicates that this missense variant is expected to disrupt CHRNE protein function. ClinVar contains an entry for this variant (Variation ID: 892243). This variant has not been reported in the literature in individuals affected with CHRNE-related conditions. This sequence change replaces proline, which is neutral and non-polar, with arginine, which is basic and polar, at codon 265 of the CHRNE protein (p.Pro265Arg).

Illumina Laboratory Services, Illumina
Classification: Uncertain significance for Congenital myasthenic syndrome. Last evaluated: 2017-04-27. Review status: criteria provided, single submitter. Criteria: ICSL Variant Classification Criteria 13 December 2019. Collection method: clinical testing. Allele origin: germline.
Comment: This variant was observed as part of a predisposition screen in an ostensibly healthy population. A literature search was performed for the gene, cDNA change, and amino acid change (where applicable). Publications were found based on this search. However, the evidence from the literature, in combination with allele frequency data from public databases where available, was not sufficient to rule this variant in or out of causing disease. Therefore, this variant is classified as a variant of unknown significance.

Literature cited by the submitters: PubMed 9158150 (cited by Labcorp Genetics (formerly Invitae), Labcorp and Illumina Laboratory Services, Illumina).

NM_000080.4(CHRNE):c.794C>G (p.Pro265Arg)

Genes: C17orf107 (chromosome 17 open reading frame 107; plus strand), CHRNE (cholinergic receptor nicotinic epsilon subunit; minus strand). Cytogenetic location: 17p13.2.
Variant type: single nucleotide variant.
Coding change: c.794C>G on transcript NM_000080.4 (MANE Select); coding-DNA position 794, C replaced by G.
Protein change: p.Pro265Arg; replaces proline 265 with arginine.
Molecular consequence: missense variant. On other transcripts: 3 prime UTR variant (1).
Genome position (GRCh38, 1-based): chr17:4,900,998, G>C on the plus strand (C>G on the coding strand, the complement: CHRNE is on the minus strand). VCF-style: chr17-4900998-G-C. GRCh37 (hg19) VCF-style: chr17-4804293-G-C.
Other names: c.*465G>C (NM_001145536.2); short protein forms P265R.
Identifiers: ClinVar variation 892243 (VCV000892243.9), dbSNP rs759226183, ClinGen allele CA397304719.
Genomic context (GRCh38, chr17:4,900,998, plus strand): 5'-GCCTCCCGGGAGCGAGCCCGGGTTTGGGGGTAGGTTCGGGGCCACTGCTTACCCTGCGCC[G>C]GCAGGAAGTAGGCGAGCAGCACCAGGCCCGAGATGAGCACACAGGGCACGATGATGTTAA-3'
Protein context (NP_000071.1, residues 255-275): SGLVLLAYFL[Pro265Arg]AQAGGQKCTV